The following is an entry in ClinVar:

ClinVar aggregate classification (germline): Likely benign. Review status: criteria provided, multiple submitters, no conflicts (2 of 4 stars). 3 submissions from 3 submitters: Likely benign (3). Last evaluated 2025-11-23.

Conditions:
Bloom syndrome (BLM). Also called: Bloom-Torre-Machacek syndrome. Identifiers: Orphanet 125, MedGen C0005859, MONDO:0008876, OMIM 210900.
Hereditary cancer-predisposing syndrome. Also called: Neoplastic Syndromes, Hereditary; Tumor predisposition; Hereditary neoplastic syndrome; Hereditary Cancer Syndrome. Identifiers: Orphanet 140162, MedGen C0027672, MeSH D009386, MONDO:0015356.

Allele frequency attached by ClinVar (database versions not stated): gnomAD exomes below 0.00001.
gnomAD v4.1: 2 of 1,614,158 alleles (0.00012%); highest among the groups gnomAD compares: Non-Finnish European, 0.00017%; no homozygotes.

Submissions (3):

Labcorp Genetics (formerly Invitae), Labcorp
Classification: Likely benign for Bloom syndrome. Last evaluated: 2025-11-23. Review status: criteria provided, single submitter. Criteria: Invitae Variant Classification Sherloc (09022015). Collection method: clinical testing. Allele origin: germline.

CeGaT Center for Human Genetics Tuebingen
Classification: Likely benign. Last evaluated: 2023-09-01. Review status: criteria provided, single submitter. Criteria: CeGaT Center For Human Genetics Tuebingen Variant Classification Criteria Version 2. Collection method: clinical testing. Allele origin: germline. Affected: yes. Observed: 1 variant allele.
Comment: BLM: PM2:Supporting, BP4, BP7

Ambry Genetics
Classification: Likely benign for Hereditary cancer-predisposing syndrome. Last evaluated: 2019-09-16. Review status: criteria provided, single submitter. Criteria: Ambry Variant Classification Scheme 2023. Collection method: clinical testing. Allele origin: germline.

NM_000057.4(BLM):c.2940T>G (p.Ala980=)

Gene: BLM (BLM RecQ like helicase; plus strand). Cytogenetic location: 15q26.1.
Variant type: single nucleotide variant.
Coding change: c.2940T>G on transcript NM_000057.4 (MANE Select); coding-DNA position 2940, T replaced by G.
Protein change: p.Ala980=; no amino-acid change (alanine 980 retained).
Molecular consequence: synonymous variant.
Genome position (GRCh38, 1-based): chr15:90,790,765, T>G. VCF-style: chr15-90790765-T-G. GRCh37 (hg19) VCF-style: chr15-91333995-T-G.
Other names: c.2940T>G, p.Ala980= (NM_001287246.2, NM_001287247.2); c.1815T>G, p.Ala605= (NM_001287248.2).
Identifiers: ClinVar variation 1077266 (VCV001077266.35), dbSNP rs1596257223, ClinGen allele CA492164160.